The following is an entry in ClinVar:

ClinVar aggregate classification (germline): Uncertain significance (1 of 4 stars; one submission).

Conditions:
Emery-Dreifuss muscular dystrophy 4, autosomal dominant (EDMD4). Also called: EMERY-DREIFUSS MUSCULAR DYSTROPHY 4 WITH VARIABLE FEATURES. Identifiers: Orphanet 261, MedGen C2751807, MONDO:0013071, OMIM 612998.
Autosomal recessive ataxia, Beauce type. Also called: Spinocerebellar ataxia, autosomal recessive 8; ATAXIA, RECESSIVE, OF BEAUCE; SYNE1-Related Autosomal Recessive Cerebellar Ataxia; SYNE1 Deficiency. Identifiers: Orphanet 88644, MedGen C1853116, MONDO:0012549, OMIM 610743.

Allele frequency attached by ClinVar (database versions not stated): gnomAD exomes below 0.00001; TOPMed below 0.00001.
gnomAD v4.1: 7 of 1,614,170 alleles (0.00043%); highest among the groups gnomAD compares: Non-Finnish European, 0.00059%; no homozygotes.

Submission:

Labcorp Genetics (formerly Invitae), Labcorp
Classification: Uncertain significance for Emery-Dreifuss muscular dystrophy 4, autosomal dominant; Autosomal recessive ataxia, Beauce type. Last evaluated: 2022-03-09. Review status: criteria provided, single submitter. Criteria: Invitae Variant Classification Sherloc (09022015). Collection method: clinical testing. Allele origin: germline.
Comment: In summary, the available evidence is currently insufficient to determine the role of this variant in disease. Therefore, it has been classified as a Variant of Uncertain Significance. Algorithms developed to predict the effect of missense changes on protein structure and function are either unavailable or do not agree on the potential impact of this missense change (SIFT: "Deleterious"; PolyPhen-2: "Benign"; Align-GVGD: "Class C35"). ClinVar contains an entry for this variant (Variation ID: 940226). This variant has not been reported in the literature in individuals affected with SYNE1-related conditions. This variant is present in population databases (no rsID available, gnomAD 0.0009%). This sequence change replaces proline, which is neutral and non-polar, with threonine, which is neutral and polar, at codon 3316 of the SYNE1 protein (p.Pro3316Thr).

NM_182961.4(SYNE1):c.9925C>A (p.Pro3309Thr)

Gene: SYNE1 (spectrin repeat containing nuclear envelope protein 1; minus strand). Cytogenetic location: 6q25.2.
Variant type: single nucleotide variant.
Coding change: c.9925C>A on transcript NM_182961.4 (MANE Select); coding-DNA position 9925, C replaced by A.
Protein change: p.Pro3309Thr; replaces proline 3309 with threonine.
Molecular consequence: missense variant.
Genome position (GRCh38, 1-based): chr6:152,367,265, G>T on the plus strand (C>A on the coding strand, the complement: SYNE1 is on the minus strand). VCF-style: chr6-152367265-G-T. GRCh37 (hg19) VCF-style: chr6-152688400-G-T.
Other names: c.9946C>A, p.Pro3316Thr (NM_033071.5); short protein forms P3316T, P3309T.
Identifiers: ClinVar variation 940226 (VCV000940226.9), dbSNP rs1247321590, ClinGen allele CA366135304.